The following is an entry in ClinVar:

NM_001291303.3(FAT4):c.821C>T (p.Ala274Val)

Gene: FAT4 (FAT atypical cadherin 4; plus strand). Cytogenetic location: 4q28.1.
Variant type: single nucleotide variant.
Coding change: c.821C>T on transcript NM_001291303.3 (MANE Select); coding-DNA position 821, C replaced by T.
Protein change: p.Ala274Val; replaces alanine 274 with valine.
Molecular consequence: missense variant.
Genome position (GRCh38, 1-based): chr4:125,317,232, C>T. VCF-style: chr4-125317232-C-T. GRCh37 (hg19) VCF-style: chr4-126238387-C-T.
Other names: c.821C>T, p.Ala274Val (NM_001291285.3, NM_024582.6); c.821C>T (NM_024582.4, NM_024582.5); short protein forms A274V.
Identifiers: ClinVar variation 1433546 (VCV001433546.7), dbSNP rs199605036, ClinGen allele CA3071871.

ClinVar aggregate classification (germline): Uncertain significance. Review status: criteria provided, multiple submitters, no conflicts (2 of 4 stars). 4 submissions from 4 submitters: Uncertain significance (4). Last evaluated 2024-05-16.

Conditions:
Inborn genetic diseases. Identifiers: MedGen C0950123, MeSH D030342.
Van Maldergem syndrome 2 (VMLDS2). Identifiers: Orphanet 314679, MedGen C3809875, MONDO:0014242, OMIM 615546.
Hennekam lymphangiectasia-lymphedema syndrome 2 (HKLLS2). Identifiers: Orphanet 2136, MedGen C4014939, MONDO:0014454, OMIM 616006.

Allele frequency attached by ClinVar (database versions not stated): ExAC 0.00006; TOPMed 0.00006; gnomAD 0.00007 and 0.00009; gnomAD exomes 0.00007; ESP Exome Variant Server 0.00017.
gnomAD v4.1: 137 of 1,579,040 alleles (0.0087%); highest among the groups gnomAD compares: Non-Finnish European, 0.011%; no homozygotes.

Submissions (4):

Fulgent Genetics
Classification: Uncertain significance for Van Maldergem syndrome 2; Hennekam lymphangiectasia-lymphedema syndrome 2. Last evaluated: 2024-05-16. Review status: criteria provided, single submitter. Criteria: ACMG Guidelines, 2015. Collection method: clinical testing. Allele origin: germline.

Labcorp Genetics (formerly Invitae), Labcorp
Classification: Uncertain significance. Last evaluated: 2024-03-20. Review status: criteria provided, single submitter. Criteria: Invitae Variant Classification Sherloc (09022015). Collection method: clinical testing. Allele origin: germline.
Comment: This sequence change replaces alanine, which is neutral and non-polar, with valine, which is neutral and non-polar, at codon 274 of the FAT4 protein (p.Ala274Val). This variant is present in population databases (rs199605036, gnomAD 0.02%). This variant has not been reported in the literature in individuals affected with FAT4-related conditions. ClinVar contains an entry for this variant (Variation ID: 1433546). Advanced modeling of protein sequence and biophysical properties (such as structural, functional, and spatial information, amino acid conservation, physicochemical variation, residue mobility, and thermodynamic stability) performed at Invitae indicates that this missense variant is not expected to disrupt FAT4 protein function with a negative predictive value of 80%. In summary, the available evidence is currently insufficient to determine the role of this variant in disease. Therefore, it has been classified as a Variant of Uncertain Significance.

Clinical Genomics Laboratory, Washington University in St. Louis
Classification: Uncertain significance for Hennekam lymphangiectasia-lymphedema syndrome 2. Last evaluated: 2024-01-08. Review status: criteria provided, single submitter. Criteria: ACMG Guidelines, 2015. Collection method: clinical testing. Allele origin: germline.
Comment: A FAT4 c.821C>T (p. Ala274Val) variant was identified at a near heterozygous allelic fraction of 48.6%, a frequency consistent with germline origin. This variant, to our knowledge, has not been reported in the medical literature in relation to FAT4-related disease. It has been reported in the ClinVar database as a germline variant of uncertain significance by two submitters (ClinVar ID: 1433546). The FAT4 c.821C>T (p. Ala274Val) variant is observed on 137/1,579,040 alleles in the general population (gnomAD v.4.0.0). Computational predictors are uncertain as to the impact of this variant on FAT4 function. Due to limited information, and based on ACMG/AMP guidelines for variant interpretation (Richards S et al., PMID: 25741868), the clinical significance of this variant is uncertain at this time.

Ambry Genetics
Classification: Uncertain significance for Inborn genetic diseases. Last evaluated: 2023-06-06. Review status: criteria provided, single submitter. Criteria: Ambry Variant Classification Scheme 2023. Collection method: clinical testing. Allele origin: germline.